The following is an entry in ClinVar:

NM_000292.3(PHKA2):c.1153A>G (p.Lys385Glu)

Gene: PHKA2 (phosphorylase kinase regulatory subunit alpha 2; minus strand). Cytogenetic location: Xp22.13.
Variant type: single nucleotide variant.
Coding change: c.1153A>G on transcript NM_000292.3 (MANE Select); coding-DNA position 1153, A replaced by G.
Protein change: p.Lys385Glu; replaces lysine 385 with glutamic acid.
Molecular consequence: missense variant.
Genome position (GRCh38, 1-based): chrX:18,931,733, T>C on the plus strand (A>G on the coding strand, the complement: PHKA2 is on the minus strand). VCF-style: chrX-18931733-T-C. GRCh37 (hg19) VCF-style: chrX-18949851-T-C.
Other names: short protein forms K385E.
Identifiers: ClinVar variation 2585050 (VCV002585050.1), dbSNP rs796704499, ClinGen allele CA327056096.

ClinVar aggregate classification (germline): Uncertain significance (1 of 4 stars; one submission).

Conditions:
Glycogen storage disease IXa1. Also called: Glycogen storage disease 8; LIVER GLYCOGENOSIS, X-LINKED, TYPE I; GLYCOGEN STORAGE DISEASE VIII; GSD VIII. Identifiers: Orphanet 264580, MedGen C3694531, MONDO:0010598, OMIM 306000.

Allele frequency attached by ClinVar (database versions not stated): gnomAD exomes below 0.00001.
gnomAD v4.1: 1 of 1,185,427 alleles (0.000084%); highest among the groups gnomAD compares: South Asian, 0.0018%; no homozygotes.

Submission:

Neuberg Centre For Genomic Medicine, NCGM
Classification: Uncertain significance for Glycogen storage disease IXa1. Review status: criteria provided, single submitter. Criteria: ACMG Guidelines, 2015. Collection method: clinical testing. Allele origin: germline. Inheritance: X-linked inheritance. Affected: yes.
Comment: The missense variant in c.1153A>G(p.Lys385Glu) in PHKA2 gene has not been reported previously as a pathogenic variant nor as a benign variant, to our knowledge. The p.Lys385Glu variant is novel (not in any individuals) in gnomAD and 1000 Genomes. This variant has not been reported to the ClinVar database. The amino acid change p.Lys385Glu in PHKA2 is predicted as conserved by GERP++ and PhyloP across 100 vertebrates. The amino acid Lys at position 385 is changed to a Glu changing protein sequence and it might alter its composition and physico-chemical properties. For these reasons, this variant has been classified as Uncertain Significance (VUS).